The following is an entry in ClinVar:

ClinVar aggregate classification (germline): Uncertain significance. Review status: criteria provided, multiple submitters, no conflicts (2 of 4 stars). 2 submissions from 2 submitters: Uncertain significance (2). Last evaluated 2025-09-22.

Allele frequency attached by ClinVar (database versions not stated): gnomAD exomes below 0.00001 and 0.00002; ExAC 0.00001; gnomAD 0.00002; TOPMed 0.00004; ESP Exome Variant Server 0.00008.
gnomAD v4.1: 26 of 1,613,662 alleles (0.0016%); highest among the groups gnomAD compares: African/African-American, 0.0027%; no homozygotes.

Submissions (2):

Ambry Genetics
Classification: Uncertain significance. Last evaluated: 2025-09-22. Review status: criteria provided, single submitter. Criteria: Ambry Variant Classification Scheme 2023. Collection method: clinical testing. Allele origin: germline.

Labcorp Genetics (formerly Invitae), Labcorp
Classification: Uncertain significance. Last evaluated: 2023-08-02. Review status: criteria provided, single submitter. Criteria: Invitae Variant Classification Sherloc (09022015). Collection method: clinical testing. Allele origin: germline.
Comment: This variant has not been reported in the literature in individuals affected with FCHO1-related conditions. In summary, the available evidence is currently insufficient to determine the role of this variant in disease. Therefore, it has been classified as a Variant of Uncertain Significance. An algorithm developed to predict the effect of missense changes on protein structure and function (PolyPhen-2) suggests that this variant is likely to be disruptive. ClinVar contains an entry for this variant (Variation ID: 1512324). This variant is present in population databases (rs373033903, gnomAD 0.0009%). This sequence change replaces proline, which is neutral and non-polar, with serine, which is neutral and polar, at codon 438 of the FCHO1 protein (p.Pro438Ser).

NM_015122.3(FCHO1):c.1312C>T (p.Pro438Ser)

Gene: FCHO1 (FCH and mu domain containing endocytic adaptor 1; plus strand). Cytogenetic location: 19p13.11.
Variant type: single nucleotide variant.
Coding change: c.1312C>T on transcript NM_015122.3 (MANE Select); coding-DNA position 1312, C replaced by T.
Protein change: p.Pro438Ser; replaces proline 438 with serine.
Molecular consequence: missense variant. On other transcripts: non-coding transcript variant (24), intron variant (1).
Genome position (GRCh38, 1-based): chr19:17,778,189, C>T. VCF-style: chr19-17778189-C-T. GRCh37 (hg19) VCF-style: chr19-17888998-C-T.
Other names: c.1312C>T, p.Pro438Ser (NM_001161357.2, NM_001161358.2, NM_001384370.1 and 25 more transcripts); c.1162C>T, p.Pro388Ser (NM_001161359.2, NM_001384384.1, NM_001384385.1 and 2 more transcripts); c.1273C>T, p.Pro425Ser (NM_001384388.1, NM_001384389.1, NM_001384405.1); c.1237C>T, p.Pro413Ser (NM_001384390.1); c.1267C>T, p.Pro423Ser (NM_001384403.1); c.1057+1918C>T (NM_001384407.1); c.1312C>T (NM_001161357.1); short protein forms P423S, P425S, P388S, P413S, P438S.
Identifiers: ClinVar variation 1512324 (VCV001512324.9), dbSNP rs373033903, ClinGen allele CA9300482.
Genomic context (GRCh38, chr19:17,778,189, plus strand): 5'-CTCTCTAGCTGTGCAGAGAGATTGCAGTCAGAGGAGCAGGTGTCCAAGAACCTCTTTGGG[C>T]CGCCCCTGGAGTCAGCCTTTGACCACGAAGATTTTACAGGTGATGGGGATAAGGGATTGG-3'
Protein context (NP_055937.1, residues 428-448): EEQVSKNLFG[Pro438Ser]PLESAFDHED